The following is an entry in ClinVar:

NM_000213.5(ITGB4):c.2660T>A (p.Val887Glu)

Gene: ITGB4 (integrin subunit beta 4; plus strand). Cytogenetic location: 17q25.1.
Variant type: single nucleotide variant.
Coding change: c.2660T>A on transcript NM_000213.5 (MANE Select); coding-DNA position 2660, T replaced by A.
Protein change: p.Val887Glu; replaces valine 887 with glutamic acid.
Molecular consequence: missense variant.
Genome position (GRCh38, 1-based): chr17:75,742,367, T>A. VCF-style: chr17-75742367-T-A. GRCh37 (hg19) VCF-style: chr17-73738448-T-A.
Other names: c.2660T>A, p.Val887Glu (NM_001005619.2, NM_001005731.3, NM_001321123.2); short protein forms V887E.
Identifiers: ClinVar variation 2004115 (VCV002004115.4), dbSNP rs1042862836, ClinGen allele CA401068330.

ClinVar aggregate classification (germline): Uncertain significance (1 of 4 stars; one submission).

Submission:

Labcorp Genetics (formerly Invitae), Labcorp
Classification: Uncertain significance. Last evaluated: 2022-06-10. Review status: criteria provided, single submitter. Criteria: Invitae Variant Classification Sherloc (09022015). Collection method: clinical testing. Allele origin: germline.
Comment: In summary, the available evidence is currently insufficient to determine the role of this variant in disease. Therefore, it has been classified as a Variant of Uncertain Significance. Algorithms developed to predict the effect of missense changes on protein structure and function are either unavailable or do not agree on the potential impact of this missense change (SIFT: "Not Available"; PolyPhen-2: "Probably Damaging"; Align-GVGD: "Not Available"). This variant has not been reported in the literature in individuals affected with ITGB4-related conditions. This variant is not present in population databases (gnomAD no frequency). This sequence change replaces valine, which is neutral and non-polar, with glutamic acid, which is acidic and polar, at codon 887 of the ITGB4 protein (p.Val887Glu).